The following is an entry in ClinVar:

NM_001326411.2(PISD):c.175C>T (p.Arg59Ter)

Gene: PISD (phosphatidylserine decarboxylase; minus strand). Cytogenetic location: 22q12.2.
Variant type: single nucleotide variant.
Coding change: c.175C>T on transcript NM_001326411.2 (MANE Select); coding-DNA position 175, C replaced by T.
Protein change: p.Arg59Ter; replaces arginine 59 with a stop codon.
Molecular consequence: nonsense. On other transcripts: 5 prime UTR variant (8).
Genome position (GRCh38, 1-based): chr22:31,648,247, G>A on the plus strand (C>T on the coding strand, the complement: PISD is on the minus strand). VCF-style: chr22-31648247-G-A. GRCh37 (hg19) VCF-style: chr22-32044233-G-A.
Other names: c.175C>T, p.Arg59Ter (NM_001326412.1, NM_001326421.1); c.-55C>T (NM_001326413.2, NM_001326414.2); c.-348C>T (NM_001326415.2, NM_001326417.2, NM_001326419.2); c.-457C>T (NM_001326416.2); c.-6C>T (NM_001326418.2, NM_001326420.2); short protein forms R59*.
Identifiers: ClinVar variation 3625651 (VCV003625651.2).

ClinVar aggregate classification (germline): Pathogenic (1 of 4 stars; one submission).

Submission:

Labcorp Genetics (formerly Invitae), Labcorp
Classification: Pathogenic. Last evaluated: 2024-04-25. Review status: criteria provided, single submitter. Criteria: Invitae Variant Classification Sherloc (09022015). Collection method: clinical testing. Allele origin: germline.
Comment: This sequence change creates a premature translational stop signal (p.Arg59*) in the PISD gene. It is expected to result in an absent or disrupted protein product. Loss-of-function variants in PISD are known to be pathogenic (PMID: 30488656, 30858161). This variant is present in population databases (no rsID available, gnomAD 0.0008%). This variant has not been reported in the literature in individuals affected with PISD-related conditions. For these reasons, this variant has been classified as Pathogenic.

Literature cited by the submitters: PubMed 30488656; PubMed 30858161.